The following is an entry in ClinVar:

NM_001754.5(RUNX1):c.428_439dup (p.Glu143_Asn146dup)

Genes: RUNX1 (RUNX family transcription factor 1; minus strand), RUNX1-AS1 (RUNX1 antisense RNA 1; plus strand). Cytogenetic location: 21q22.12.
Variant type: Duplication.
Coding change: c.428_439dup on transcript NM_001754.5 (MANE Select); coding-DNA positions 428 to 439, 12 bases duplicated (AGCTGAGAAATG).
Protein change: p.Glu143_Asn146dup.
Molecular consequence: inframe insertion.
Genome position (GRCh38, 1-based): chr21:34,880,626-34,880,637, CATTTCTCAGCT duplicated on the plus strand (AGCTGAGAAATG on the coding strand, the reverse complement: RUNX1 is on the minus strand); duplicating any 12 consecutive bases within chr21:34,880,626-34,880,639 gives the same sequence; the c. name uses the placement nearest the transcript's 3' end. VCF-style (leftmost placement, unchanged base first): chr21-34880625-G-GCATTTCTCAGCT. GRCh37 (hg19) VCF-style: chr21-36252922-G-GCATTTCTCAGCT.
Other names: NM_001754.5(RUNX1):c.428_439dup; p.Glu143_Asn146dup; c.347_358dup, p.Glu116_Asn119dup (NM_001001890.3, NM_001122607.2).
Identifiers: ClinVar variation 1509019 (VCV001509019.9), dbSNP rs2146361978, ClinGen allele CA2573157359.

ClinVar aggregate classification (germline): Uncertain significance. Review status: reviewed by expert panel (3 of 4 stars). 2 submissions from 2 submitters: Uncertain significance (1). 1 of the submissions does not count toward it. Last evaluated 2024-09-25.

Conditions:
Hereditary thrombocytopenia and hematological cancer predisposition syndrome associated with RUNX1. Also called: RUNX1 Familial Platelet Disorder with Associated Myeloid Malignancies; Familial Platelet Disorder with Propensity to Acute Myelogenous Leukemia; Familial thrombocytopenia with propensity to acute myelogenous leukemia; PLATELET DISORDER, ASPIRIN-LIKE. Identifiers: Orphanet 71290, MedGen C1832388, MeSH C563324, MONDO:0100083, OMIM 601399.

Submissions (2):

ClinGen Myeloid Malignancy Variant Curation Expert Panel
Classification: Uncertain significance for Hereditary thrombocytopenia and hematological cancer predisposition syndrome associated with RUNX1. Last evaluated: 2024-09-25. Review status: reviewed by expert panel. Criteria: ClinGen MyeloMalig ACMG Specifications v2. Collection method: curation. Allele origin: germline. Inheritance: Autosomal dominant inheritance.
Comment: NM_001754.5(RUNX1):c.428_439dup (p.Asn146_Ala147insGluLeuArgAsn) is an in-frame deletion/insertion variant which is completely absent from all population databases with at least 20x coverage for RUNX1 (PM2_supporting). This variant is located within the Runt Homology Domain (AA 89-204), but does not occur in an established hotspot residue (PM4_supporting). In summary, the clinical significance of this variant is uncertain. ACMG/AMP criteria applied, as specified by the Myeloid Malignancy Variant Curation Expert Panel for RUNX1: PM2_supporting, PM4_supporting.

Labcorp Genetics (formerly Invitae), Labcorp
Classification: Uncertain significance for Hereditary thrombocytopenia and hematological cancer predisposition syndrome associated with RUNX1. Last evaluated: 2020-12-17. Review status: criteria provided, single submitter. Criteria: Invitae Variant Classification Sherloc (09022015). Collection method: clinical testing. Allele origin: germline. Not counted in ClinVar's aggregate classification.
Comment: In summary, the available evidence is currently insufficient to determine the role of this variant in disease. Therefore, it has been classified as a Variant of Uncertain Significance. Experimental studies and prediction algorithms are not available or were not evaluated, and the functional significance of this variant is currently unknown. This variant has not been reported in the literature in individuals with RUNX1-related conditions. This variant is not present in population databases (ExAC no frequency). This variant, c.428_439dup, results in the insertion of 4 amino acid(s) to the RUNX1 protein (p.Glu143_Asn146dup), but otherwise preserves the integrity of the reading frame.